The following is an entry in ClinVar:

ClinVar aggregate classification (germline): Uncertain significance (1 of 4 stars; one submission).

Conditions:
Myopathy, centronuclear, 2 (CNM2). Also called: MYOTUBULAR MYOPATHY, AUTOSOMAL RECESSIVE. Identifiers: Orphanet 169186, MedGen CN031787, MONDO:0009709, OMIM 255200.

Allele frequency attached by ClinVar (database versions not stated): gnomAD exomes below 0.00001.
gnomAD v4.1: 1 of 1,551,524 alleles (0.000064%); highest among the groups gnomAD compares: Admixed American, 0.002%; no homozygotes.

Submission:

Labcorp Genetics (formerly Invitae), Labcorp
Classification: Uncertain significance for Myopathy, centronuclear, 2. Last evaluated: 2018-05-30. Review status: criteria provided, single submitter. Criteria: Invitae Variant Classification Sherloc (09022015). Collection method: clinical testing. Allele origin: germline.
Comment: This variant has not been reported in the literature in individuals with BIN1-related disease. This variant is not present in population databases (ExAC no frequency). This sequence change replaces serine with threonine at codon 389 of the BIN1 protein (p.Ser389Thr). The serine residue is moderately conserved and there is a small physicochemical difference between serine and threonine. Algorithms developed to predict the effect of missense changes on protein structure and function (SIFT, PolyPhen-2, Align-GVGD) all suggest that this variant is likely to be tolerated, but these predictions have not been confirmed by published functional studies and their clinical significance is uncertain. In summary, the available evidence is currently insufficient to determine the role of this variant in disease. Therefore, it has been classified as a Variant of Uncertain Significance.

NM_139343.3(BIN1):c.1166G>C (p.Ser389Thr)

Gene: BIN1 (bridging integrator 1; minus strand). Cytogenetic location: 2q14.3.
Variant type: single nucleotide variant.
Coding change: c.1166G>C on transcript NM_139343.3 (MANE Select); coding-DNA position 1166, G replaced by C.
Protein change: p.Ser389Thr; replaces serine 389 with threonine.
Molecular consequence: missense variant. On other transcripts: intron variant (12).
Genome position (GRCh38, 1-based): chr2:127,053,978, C>G on the plus strand (G>C on the coding strand, the complement: BIN1 is on the minus strand). VCF-style: chr2-127053978-C-G. GRCh37 (hg19) VCF-style: chr2-127811554-C-G.
Other names: c.1073G>C, p.Ser358Thr (NM_001320641.2); c.1085G>C, p.Ser362Thr (NM_001320642.1); c.1037G>C, p.Ser346Thr (NM_139344.3); c.838-3066G>C (NM_001320634.1); c.910-3066G>C (NM_139351.3); c.910-2735G>C (NM_139350.3); c.910-1616G>C (NM_139349.3); c.1039-2735G>C (NM_139348.3); and 7 more; short protein forms S346T, S358T, S362T, S389T.
Identifiers: ClinVar variation 1009712 (VCV001009712.8), dbSNP rs1683302135, ClinGen allele CA348377056.